The following is an entry in ClinVar:

NM_000088.4(COL1A1):c.3432del (p.Gly1145fs)

Gene: COL1A1 (collagen type I alpha 1 chain; minus strand). Cytogenetic location: 17q21.33.
Variant type: Deletion.
Coding change: c.3432del on transcript NM_000088.4 (MANE Select); coding-DNA position 3432, one base deleted (T; older notation c.3432delT).
Protein change: p.Gly1145fs; shifts the reading frame from glycine 1145.
Molecular consequence: frameshift variant.
Genome position (GRCh38, 1-based): chr17:50,187,114, A deleted on the plus strand (T on the coding strand, the reverse complement: COL1A1 is on the minus strand). VCF-style (leftmost placement, unchanged base first): chr17-50187113-CA-C. GRCh37 (hg19) VCF-style: chr17-48264474-CA-C.
Other names: short protein forms G1145fs.
Identifiers: ClinVar variation 1451982 (VCV001451982.6), dbSNP rs2144539233, ClinGen allele CA2573154181.
Genomic context (GRCh38, chr17:50,187,113, plus strand): 5'-GGGGCCCAATGGGGCCAGGGAGACCGTTGAGTCCATCTTTGCCAGGAGCACCAGCAGAGC[CA>C]GGGGGACCCTGGAGTGGGGGAAATGGTTTGAGAAAGGCTGCCAGAAGCCCGAACAACCCC-3'

ClinVar aggregate classification (germline): Pathogenic (1 of 4 stars; one submission).

Conditions:
Osteogenesis imperfecta type I (OI1). Also called: Lobstein disease; OI, TYPE I; OSTEOGENESIS IMPERFECTA TARDA; OSTEOGENESIS IMPERFECTA WITH BLUE SCLERAE; Lobstein's Disease; Classic Non-deforming Osteogenesis Imperfecta with Blue Sclerae. Identifiers: Orphanet 216796, Orphanet 666, MedGen C0023931, MONDO:0008146, OMIM 166200. Disease mechanism: loss of function.

Submission:

Labcorp Genetics (formerly Invitae), Labcorp
Classification: Pathogenic for Osteogenesis imperfecta type I. Last evaluated: 2025-03-31. Review status: criteria provided, single submitter. Criteria: Invitae Variant Classification Sherloc (09022015). Collection method: clinical testing. Allele origin: germline.
Comment: This sequence change creates a premature translational stop signal (p.Gly1145Alafs*94) in the COL1A1 gene. It is expected to result in an absent or disrupted protein product. Loss-of-function variants in COL1A1 are known to be pathogenic (PMID: 7942841, 9295084, 9443882). This variant is not present in population databases (gnomAD no frequency). This variant has not been reported in the literature in individuals affected with COL1A1-related conditions. ClinVar contains an entry for this variant (Variation ID: 1451982). For these reasons, this variant has been classified as Pathogenic.

Literature cited by the submitters: PubMed 7942841; PubMed 9295084; PubMed 9443882.